The following is an entry in ClinVar:

NM_006147.4(IRF6):c.450_459del (p.Asp151fs)

Gene: IRF6 (interferon regulatory factor 6; minus strand). Cytogenetic location: 1q32.2.
Variant type: Deletion.
Coding change: c.450_459del on transcript NM_006147.4 (MANE Select); coding-DNA positions 450 to 459, 10 bases deleted (GGATCAGTCG; older notation c.450_459delGGATCAGTCG).
Protein change: p.Asp151fs; shifts the reading frame from aspartic acid 151.
Molecular consequence: frameshift variant.
Genome position (GRCh38, 1-based): chr1:209,795,339-209,795,348, CGACTGATCC deleted on the plus strand (GGATCAGTCG on the coding strand, the reverse complement: IRF6 is on the minus strand). VCF-style (leftmost placement, unchanged base first): chr1-209795338-GCGACTGATCC-G. GRCh37 (hg19) VCF-style: chr1-209968683-GCGACTGATCC-G.
Other names: c.165_174del, p.Asp56fs (NM_001206696.2); short protein forms D151fs, D56fs.
Identifiers: ClinVar variation 4823042 (VCV004823042.4).

ClinVar aggregate classification (germline): Pathogenic (1 of 4 stars; one submission).

Submission:

CeGaT Center for Human Genetics Tuebingen
Classification: Pathogenic. Last evaluated: 2026-01-01. Review status: criteria provided, single submitter. Criteria: CeGaT Center For Human Genetics Tuebingen Variant Classification Criteria Version 2. Collection method: clinical testing. Allele origin: germline. Affected: yes. Observed: 1 variant allele.
Comment: IRF6: PVS1, PM2, PS2:Moderate